The following is an entry in ClinVar:

NM_018990.4(SASH3):c.591+7T>C

Gene: SASH3 (SAM and SH3 domain containing 3; plus strand). Cytogenetic location: Xq26.1.
Variant type: single nucleotide variant.
Coding change: c.591+7T>C on transcript NM_018990.4 (MANE Select); 7 bases into the intron after coding-DNA position 591, T replaced by C.
Molecular consequence: intron variant.
Genome position (GRCh38, 1-based): chrX:129,792,483, T>C. VCF-style: chrX-129792483-T-C. GRCh37 (hg19) VCF-style: chrX-128926459-T-C.
Identifiers: ClinVar variation 4847867 (VCV004847867.1).

ClinVar aggregate classification (germline): Benign (1 of 4 stars; one submission).

gnomAD v4.1: 898 of 1,210,054 alleles (0.074%); highest among the groups gnomAD compares: Non-Finnish European, 0.011%; 8 homozygotes.

Submission:

Women's Health and Genetics/Laboratory Corporation of America, LabCorp
Classification: Benign. Last evaluated: 2026-02-12. Review status: criteria provided, single submitter. Criteria: LabCorp Variant Classification Summary - May 2015. Collection method: clinical testing. Allele origin: germline.
Comment: Variant summary: SASH3 c.591+7T>C alters a non-conserved nucleotide located at a position not widely known to affect splicing. Consensus agreement among computation tools predict no significant impact on normal splicing. However, these predictions have yet to be confirmed by functional studies. The variant allele was found at a frequency of 0.0014 in 183348 control chromosomes in the gnomAD database, including 2 homozygotes. The observed variant frequency exceeds the estimated maximal expected allele frequency for disease-causing variants in SASH3. To our knowledge, no occurrence of c.591+7T>C in individuals affected with SASH3-related conditions and no experimental evidence demonstrating its impact on protein function have been reported. No submitters have cited clinical-significance assessments for this variant to ClinVar. Based on the evidence outlined above, the variant was classified as benign.